The following is an entry in ClinVar:

NM_000112.4(SLC26A2):c.*3404C>T

Gene: SLC26A2 (solute carrier family 26 member 2; plus strand). Cytogenetic location: 5q32.
Variant type: single nucleotide variant.
Coding change: c.*3404C>T on transcript NM_000112.4 (MANE Select); 3404 bases downstream of the stop codon, C replaced by T.
Molecular consequence: 3 prime UTR variant.
Genome position (GRCh38, 1-based): chr5:149,985,217, C>T. VCF-style: chr5-149985217-C-T. GRCh37 (hg19) VCF-style: chr5-149364780-C-T.
Identifiers: ClinVar variation 352075 (VCV000352075.7), dbSNP rs30833, ClinGen allele CA10623620.

ClinVar aggregate classification (germline): Benign. Review status: criteria provided, multiple submitters, no conflicts (2 of 4 stars). 6 submissions from 2 submitters: Benign (6). Last evaluated 2021-05-15.

Conditions:
Sulfate transporter-related osteochondrodysplasia. Also called: DTDST-related dysplasias. Identifiers: MedGen CN120497. Disease mechanism: loss of function.
Achondrogenesis, type IB (ACG1B). Also called: Achondrogenesis Type 1B. Identifiers: Orphanet 932, Orphanet 93298, MedGen C0265274, MONDO:0010966, OMIM 600972.
Multiple epiphyseal dysplasia type 4 (EDM4). Also called: MULTIPLE EPIPHYSEAL DYSPLASIA WITH BILAYERED PATELLAE; MULTIPLE EPIPHYSEAL DYSPLASIA WITH CLUBFOOT; MULTIPLE EPIPHYSEAL DYSPLASIA, AUTOSOMAL RECESSIVE; SLC26A2-Related Multiple Epiphyseal Dysplasia; Multiple Epiphyseal Dysplasia, Recessive. Identifiers: Orphanet 93307, MedGen C1847593, MONDO:0009189, OMIM 226900.
Atelosteogenesis type II (AO2). Also called: NEONATAL OSSEOUS DYSPLASIA I; Neonatal osseous dysplasia 1; SLC26A2-Related Atelosteogenesis. Identifiers: Orphanet 56304, MedGen C1850554, MONDO:0009727, OMIM 256050.
Diastrophic dysplasia (DTD). Also called: Diastrophic dwarfism. Identifiers: Orphanet 628, MedGen C0220726, MONDO:0009107, OMIM 222600.

Allele frequency attached by ClinVar (database versions not stated): gnomAD 0.98873 and 0.98883; TOPMed 0.98980; 1000 Genomes Project 30x 0.99110; 1000 Genomes Project 0.99201; gnomAD exomes 1.00000.
gnomAD v4.1: 150,623 of 152,340 alleles (99%); highest among the groups gnomAD compares: East Asian, 100%; 74,464 homozygotes.

Submissions (6):

GeneDx
Classification: Benign. Last evaluated: 2021-05-15. Review status: criteria provided, single submitter. Criteria: GeneDx Variant Classification Process June 2021. Collection method: clinical testing. Allele origin: germline. Affected: yes.

Illumina Laboratory Services, Illumina
Classification: Benign for Diastrophic dysplasia. Last evaluated: 2018-01-12. Review status: criteria provided, single submitter. Criteria: ICSL Variant Classification Criteria 13 December 2019. Collection method: clinical testing. Allele origin: germline.
Comment: This variant was observed in the ICSL laboratory as part of a predisposition screen in an ostensibly healthy population. It had not been previously curated by ICSL or reported in the Human Gene Mutation Database (HGMD: prior to June 1st, 2018), and was therefore a candidate for classification through an automated scoring system. Utilizing variant allele frequency, disease prevalence and penetrance estimates, and inheritance mode, an automated score was calculated to assess if this variant is too frequent to cause the disease. Based on the score and internal cut-off values, a variant classified as benign is not then subjected to further curation. The score for this variant resulted in a classification of benign for this disease.

Illumina Laboratory Services, Illumina
Classification: Benign for Atelosteogenesis type II. Last evaluated: 2018-01-12. Review status: criteria provided, single submitter. Criteria: ICSL Variant Classification Criteria 13 December 2019. Collection method: clinical testing. Allele origin: germline.
Comment: the same text as in the submission from Illumina Laboratory Services, Illumina above.

Illumina Laboratory Services, Illumina
Classification: Benign for Multiple epiphyseal dysplasia type 4. Last evaluated: 2018-01-12. Review status: criteria provided, single submitter. Criteria: ICSL Variant Classification Criteria 13 December 2019. Collection method: clinical testing. Allele origin: germline.
Comment: the same text as in the submission from Illumina Laboratory Services, Illumina above.

Illumina Laboratory Services, Illumina
Classification: Benign for Achondrogenesis, type IB. Last evaluated: 2018-01-12. Review status: criteria provided, single submitter. Criteria: ICSL Variant Classification Criteria 13 December 2019. Collection method: clinical testing. Allele origin: germline.
Comment: the same text as in the submission from Illumina Laboratory Services, Illumina above.

Illumina Laboratory Services, Illumina
Classification: Benign for Osteochondrodysplasia. Last evaluated: 2018-01-12. Review status: criteria provided, single submitter. Criteria: ICSL Variant Classification Criteria 13 December 2019. Collection method: clinical testing. Allele origin: germline.
Comment: the same text as in the submission from Illumina Laboratory Services, Illumina above.